The following is an entry in ClinVar:

NM_206933.4(USH2A):c.5961C>A (p.Tyr1987Ter)

Gene: USH2A (usherin; minus strand). Cytogenetic location: 1q41.
Variant type: single nucleotide variant.
Coding change: c.5961C>A on transcript NM_206933.4 (MANE Select); coding-DNA position 5961, C replaced by A.
Protein change: p.Tyr1987Ter; replaces tyrosine 1987 with a stop codon.
Molecular consequence: nonsense.
Genome position (GRCh38, 1-based): chr1:216,070,189, G>T on the plus strand (C>A on the coding strand, the complement: USH2A is on the minus strand). VCF-style: chr1-216070189-G-T. GRCh37 (hg19) VCF-style: chr1-216243531-G-T.
Other names: short protein forms Y1987*.
Identifiers: ClinVar variation 1454581 (VCV001454581.9), dbSNP rs773927620, ClinGen allele CA344862082.

ClinVar aggregate classification (germline): Pathogenic. Review status: criteria provided, multiple submitters, no conflicts (2 of 4 stars). 2 submissions from 2 submitters: Pathogenic (2). Last evaluated 2025-10-28.

Conditions:
USH2A-related disorder. Also called: USH2A-related disorders; USH2A-related condition. Identifiers: MedGen CN239332.

gnomAD v4.1: 1 of 1,613,986 alleles (0.000062%); highest among the groups gnomAD compares: Non-Finnish European, 0.000085%; no homozygotes.

Submissions (2):

Labcorp Genetics (formerly Invitae), Labcorp
Classification: Pathogenic. Last evaluated: 2025-10-28. Review status: criteria provided, single submitter. Criteria: Invitae Variant Classification Sherloc (09022015). Collection method: clinical testing. Allele origin: germline.
Comment: This sequence change creates a premature translational stop signal (p.Tyr1987*) in the USH2A gene. It is expected to result in an absent or disrupted protein product. Loss-of-function variants in USH2A are known to be pathogenic (PMID: 10729113, 10909849, 20507924, 25649381). This variant is not present in population databases (gnomAD no frequency). This premature translational stop signal has been observed in individual(s) with Usher syndrome (PMID: 29142287). ClinVar contains an entry for this variant (Variation ID: 1454581). For these reasons, this variant has been classified as Pathogenic.

Myriad Genetics, Inc.
Classification: Pathogenic for USH2A-related disorder. Last evaluated: 2024-05-08. Review status: criteria provided, single submitter. Criteria: Myriad Autosomal Dominant, Autosomal Recessive and X-Linked Classification Criteria (2023). Collection method: clinical testing. Allele origin: unknown.
Comment: NM_206933.2(USH2A):c.5961C>A(Y1987*) is expected to be pathogenic in the context of USH2A-related disorders. This variant is predicted to lead to an abnormal or absent protein product due to the creation of a premature termination codon in USH2A, a gene where loss-of-function variants are known to be pathogenic. Please note: this variant was assessed in the context of healthy population screening.

Literature cited by the submitters: PubMed 10729113 (cited by Labcorp Genetics (formerly Invitae), Labcorp); PubMed 10909849 (cited by Labcorp Genetics (formerly Invitae), Labcorp); PubMed 20507924 (cited by Labcorp Genetics (formerly Invitae), Labcorp); PubMed 25649381 (cited by Labcorp Genetics (formerly Invitae), Labcorp); PubMed 29142287 (cited by Labcorp Genetics (formerly Invitae), Labcorp).